The following is an entry in ClinVar:

ClinVar aggregate classification (germline): Benign/Likely benign. Review status: criteria provided, multiple submitters, no conflicts (2 of 4 stars). 3 submissions from 3 submitters: Benign (2); Likely benign (1). Last evaluated 2018-06-14.

Conditions:
Wolfram syndrome 1 (WFS1). Identifiers: Orphanet 3463, MedGen C4551693, MONDO:0009101, OMIM 222300.

Allele frequency attached by ClinVar (database versions not stated): gnomAD 0.02827 and 0.02863; TOPMed 0.03076; 1000 Genomes Project 30x 0.04216; 1000 Genomes Project 0.04293.
gnomAD v4.1: 10,260 of 1,055,936 alleles (0.97%); highest among the groups gnomAD compares: African/African-American, 9.1%; 361 homozygotes.

Submissions (3):

GeneDx
Classification: Benign. Last evaluated: 2018-06-14. Review status: criteria provided, single submitter. Criteria: GeneDx Variant Classification (06012015). Collection method: clinical testing. Allele origin: germline. Affected: yes.
Comment: This variant is considered likely benign or benign based on one or more of the following criteria: it is a conservative change, it occurs at a poorly conserved position in the protein, it is predicted to be benign by multiple in silico algorithms, and/or has population frequency not consistent with disease.

Breakthrough Genomics
Classification: Benign. Review status: criteria provided, single submitter. Criteria: ACMG Guidelines, 2015. Collection method: not provided. Allele origin: germline. Inheritance: Autosomal recessive inheritance. Affected: yes.

Clinical Genomics, Uppaluri K&H Personalized Medicine Clinic
Classification: Likely benign for Wolfram syndrome 1. Review status: criteria provided, single submitter. Criteria: K & H Uppaluri Personalized Medicine Clinic Variant Classification & Assertion Criteria_Updated V.1. Collection method: research. Allele origin: unknown. Inheritance: Autosomal recessive inheritance.
Comment: Potent mutations in WFS1 gene are associated with Wolfram's syndrome, an autosomal recessive condition, which cause diabetes mellitus, diabetes insipidus, deafness and optic atrophy. However no sufficient evidence is found to ascertain the role of this particular variant rs111852841 in Wolfram's syndrome yet.

Literature cited by the submitters: PubMed 20738327 (cited by Clinical Genomics, Uppaluri K&H Personalized Medicine Clinic); PubMed 33879153 (cited by Clinical Genomics, Uppaluri K&H Personalized Medicine Clinic); PubMed 12955714 (cited by Clinical Genomics, Uppaluri K&H Personalized Medicine Clinic); PubMed 18060660 (cited by Clinical Genomics, Uppaluri K&H Personalized Medicine Clinic); PubMed 20301750 (cited by Clinical Genomics, Uppaluri K&H Personalized Medicine Clinic); PubMed 17603484 (cited by Clinical Genomics, Uppaluri K&H Personalized Medicine Clinic).

NM_006005.3(WFS1):c.316-164A>G

Gene: WFS1 (wolframin ER transmembrane glycoprotein; plus strand). Cytogenetic location: 4p16.1.
Variant type: single nucleotide variant.
Coding change: c.316-164A>G on transcript NM_006005.3 (MANE Select); 164 bases into the intron before coding-DNA position 316, A replaced by G.
Molecular consequence: intron variant.
Genome position (GRCh38, 1-based): chr4:6,288,823, A>G. VCF-style: chr4-6288823-A-G. GRCh37 (hg19) VCF-style: chr4-6290550-A-G.
Other names: c.316-164A>G (NM_001145853.1).
Identifiers: ClinVar variation 672589 (VCV000672589.3), dbSNP rs111852841, ClinGen allele CA16173315.